The following is an entry in ClinVar:

ClinVar aggregate classification (germline): Likely pathogenic (1 of 4 stars; one submission).

Conditions:
Diabetes mellitus, permanent neonatal 4. Also called: INS-Related Permanent Neonatal Diabetes Mellitus. Identifiers: MedGen C5394307, MONDO:0030089, OMIM 618858.

Submission:

Kasturba Medical College, Manipal, Kasturba Medical College, Manipal, Manipal Academy of Higher Education, Manipal, India
Classification: Likely pathogenic for Diabetes mellitus, permanent neonatal 4. Review status: criteria provided, single submitter. Criteria: ACMG Guidelines, 2015. Collection method: research. Allele origin: de novo. Inheritance: Autosomal dominant inheritance. Affected: yes. Observed: 1 heterozygote.
Comment: The variant is absent in homozygous and/or in heterozygous state in gnomAD (v4.1.0) and in our in-house database of 3384 exomes.

NM_000207.3(INS):c.283T>C (p.Cys95Arg)

Genes: INS (insulin; minus strand), INS-IGF2 (INS-IGF2 readthrough; minus strand). Cytogenetic location: 11p15.5.
Variant type: single nucleotide variant.
Coding change: c.283T>C on transcript NM_000207.3 (MANE Select); coding-DNA position 283, T replaced by C.
Protein change: p.Cys95Arg; replaces cysteine 95 with arginine.
Molecular consequence: missense variant. On other transcripts: intron variant (1).
Genome position (GRCh38, 1-based): chr11:2,159,902, A>G on the plus strand (T>C on the coding strand, the complement: INS is on the minus strand). VCF-style: chr11-2159902-A-G. GRCh37 (hg19) VCF-style: chr11-2181132-A-G.
Other names: c.283T>C, p.Cys95Arg (NM_001185097.2, NM_001185098.2, NM_001291897.2); c.187+883T>C (NM_001042376.3); short protein forms C95R.
Identifiers: ClinVar variation 3393374 (VCV003393374.2).
Genomic context (GRCh38, chr11:2,159,902, plus strand): 5'-CGGGCTGCGTCTAGTTGCAGTAGTTCTCCAGCTGGTAGAGGGAGCAGATGCTGGTACAGC[A>G]TTGTTCCACAATGCCACGCTTCTGCAGGGACCCCTCCAGGGCCAAGGGCTGCAGGCTGCC-3'
Protein context (NP_000198.1, residues 85-105): SLQKRGIVEQ[Cys95Arg]CTSICSLYQL